The following is an entry in ClinVar:

NM_014140.4(SMARCAL1):c.2512G>A (p.Ala838Thr)

Gene: SMARCAL1 (SNF2 related chromatin remodeling annealing helicase 1; plus strand). Cytogenetic location: 2q35.
Variant type: single nucleotide variant.
Coding change: c.2512G>A on transcript NM_014140.4 (MANE Select); coding-DNA position 2512, G replaced by A.
Protein change: p.Ala838Thr; replaces alanine 838 with threonine.
Molecular consequence: missense variant.
Genome position (GRCh38, 1-based): chr2:216,477,193, G>A. VCF-style: chr2-216477193-G-A. GRCh37 (hg19) VCF-style: chr2-217341916-G-A.
Other names: c.2512G>A, p.Ala838Thr (NM_001127207.2); c.2512G>A (NM_014140.3); short protein forms A838T.
Identifiers: ClinVar variation 1035655 (VCV001035655.10), dbSNP rs369844668, ClinGen allele CA2098220.

ClinVar aggregate classification (germline): Uncertain significance. Review status: criteria provided, multiple submitters, no conflicts (2 of 4 stars). 3 submissions from 3 submitters: Uncertain significance (2). 1 of the submissions does not count toward it. Last evaluated 2025-05-26.

Conditions:
Schimke immuno-osseous dysplasia (SIOD). Also called: Schimke Immunoosseous Dysplasia. Identifiers: Orphanet 1830, MedGen C0877024, MONDO:0009458, OMIM 242900.
Inborn genetic diseases. Identifiers: MedGen C0950123, MeSH D030342.

Allele frequency attached by ClinVar (database versions not stated): gnomAD 0.00003 and 0.00004; gnomAD exomes 0.00003; TOPMed 0.00003; ExAC 0.00004; ESP Exome Variant Server 0.00008.

Submissions (3):

Ambry Genetics
Classification: Uncertain significance for Inborn genetic diseases. Last evaluated: 2025-05-26. Review status: criteria provided, single submitter. Criteria: Ambry Variant Classification Scheme 2023. Collection method: clinical testing. Allele origin: germline.

Labcorp Genetics (formerly Invitae), Labcorp
Classification: Uncertain significance for Schimke immuno-osseous dysplasia. Last evaluated: 2021-08-31. Review status: criteria provided, single submitter. Criteria: Invitae Variant Classification Sherloc (09022015). Collection method: clinical testing. Allele origin: germline.
Comment: This sequence change replaces alanine with threonine at codon 838 of the SMARCAL1 protein (p.Ala838Thr). The alanine residue is highly conserved and there is a small physicochemical difference between alanine and threonine. This variant is present in population databases (rs369844668, ExAC 0.008%). This variant has not been reported in the literature in individuals affected with SMARCAL1-related conditions. Algorithms developed to predict the effect of missense changes on protein structure and function are either unavailable or do not agree on the potential impact of this missense change (SIFT: "Tolerated"; PolyPhen-2: "Probably Damaging"; Align-GVGD: "Class C0"). In summary, the available evidence is currently insufficient to determine the role of this variant in disease. Therefore, it has been classified as a Variant of Uncertain Significance.

Natera, Inc.
Classification: Uncertain significance for Schimke immuno-osseous dysplasia. Last evaluated: 2020-08-20. Review status: no assertion criteria provided. Collection method: clinical testing. Allele origin: germline. Not counted in ClinVar's aggregate classification.